The following is an entry in ClinVar:

ClinVar aggregate classification (germline): Conflicting classifications of pathogenicity. Review status: criteria provided, conflicting classifications (1 of 4 stars). 8 submissions from 3 submitters: Uncertain significance (1); Benign (5); Likely benign (2). Last evaluated 2025-06-23.

Conditions:
Inborn genetic diseases. Identifiers: MedGen C0950123, MeSH D030342.
Scapuloperoneal spinal muscular atrophy (SPSMA). Also called: Scapuloperoneal Spinal Muscular Atrophy, TRPV4-Related; AMYOTROPHY, NEUROGENIC SCAPULOPERONEAL, NEW ENGLAND TYPE; Scapuloperoneal Form of Spinal Muscular Atrophy; Scapuloperoneal spinal muscular atrophy, autosomal dominant. Identifiers: Orphanet 431255, MedGen C0751335, MONDO:0008408, OMIM 181405.
Charcot-Marie-Tooth disease axonal type 2C (HMSN2C). Also called: Charcot-Marie-Tooth Disease Type 2, TRPV4-Related (CMT2C); CHARCOT-MARIE-TOOTH DISEASE, AXONAL, AUTOSOMAL DOMINANT, TYPE 2C; Charcot-Marie-Tooth Neuropathy Type 2C. Identifiers: Orphanet 99937, MedGen C1853710, MONDO:0011633, OMIM 606071.
Neuronopathy, distal hereditary motor, autosomal dominant 8. Also called: Autosomal dominant congenital benign spinal muscular atrophy; SPINAL MUSCULAR ATROPHY, CONGENITAL BENIGN, WITH CONTRACTURES; NEURONOPATHY, DISTAL HEREDITARY MOTOR, TYPE VIII; NEUROPATHY, DISTAL HEREDITARY MOTOR, TYPE VIII. Identifiers: Orphanet 1216, MedGen C1838492, MONDO:0010839, OMIM 600175.
Spondylometaphyseal dysplasia, Kozlowski type (SMDK). Also called: Dysmorphism arthrogryposis skeletal maturation advanced; Jequier-Kozlowski syndrome; Skeletal dysplasia Jequier-Kozlowski type; SMD Kozlowski type; Spondylometaphyseal Dysplasia, TRPV4-Related (Kozlowski Type). Identifiers: Orphanet 93314, MedGen C0265280, MONDO:0008477, OMIM 184252.
Metatropic dysplasia (MTD). Also called: Metatropic Dysplasia, TRPV4-Related; METATROPIC DWARFISM; Metatropic dysplasia, nonlethal dominant. Identifiers: Orphanet 2635, MedGen C0265281, MONDO:0007986, OMIM 156530.
Brachyrachia (short spine dysplasia) (BCYM3). Also called: BRACHYRACHIA; Autosomal dominant brachyolmia; Brachyolmia, TRPV4-Related; Brachyolmia Type 3. Identifiers: Orphanet 93304, MedGen C0432227, MONDO:0007232, OMIM 113500.

Allele frequency attached by ClinVar (database versions not stated): gnomAD 0.00001; gnomAD exomes 0.00001 and 0.00003; TOPMed 0.00001; ExAC 0.00005; 1000 Genomes Project 30x 0.00016; 1000 Genomes Project 0.00020.
gnomAD v4.1: 15 of 1,614,190 alleles (0.00093%); highest among the groups gnomAD compares: East Asian, 0.0067%; no homozygotes.

Submissions (8):

Ambry Genetics
Classification: Likely benign for Inborn genetic diseases. Last evaluated: 2025-06-23. Review status: criteria provided, single submitter. Criteria: Ambry Variant Classification Scheme 2023. Collection method: clinical testing. Allele origin: germline.

Labcorp Genetics (formerly Invitae), Labcorp
Classification: Uncertain significance for Charcot-Marie-Tooth disease axonal type 2C. Last evaluated: 2021-03-23. Review status: criteria provided, single submitter. Criteria: Invitae Variant Classification Sherloc (09022015). Collection method: clinical testing. Allele origin: germline.
Comment: In summary, the available evidence is currently insufficient to determine the role of this variant in disease. Therefore, it has been classified as a Variant of Uncertain Significance. Algorithms developed to predict the effect of missense changes on protein structure and function are either unavailable or do not agree on the potential impact of this missense change (SIFT: "Deleterious"; PolyPhen-2: "Benign"; Align-GVGD: "Class C0"). This variant has been observed in individual(s) with TRPV4-related conditions (Invitae). ClinVar contains an entry for this variant (Variation ID: 307138). This variant is present in population databases (rs548909101, ExAC 0.02%). This sequence change replaces alanine with valine at codon 217 of the TRPV4 protein (p.Ala217Val). The alanine residue is moderately conserved and there is a small physicochemical difference between alanine and valine.

Illumina Laboratory Services, Illumina
Classification: Benign for Brachyrachia (short spine dysplasia). Last evaluated: 2018-01-12. Review status: criteria provided, single submitter. Criteria: ICSL Variant Classification Criteria 13 December 2019. Collection method: clinical testing. Allele origin: germline.
Comment: This variant was observed in the ICSL laboratory as part of a predisposition screen in an ostensibly healthy population. It had not been previously curated by ICSL or reported in the Human Gene Mutation Database (HGMD: prior to June 1st, 2018), and was therefore a candidate for classification through an automated scoring system. Utilizing variant allele frequency, disease prevalence and penetrance estimates, and inheritance mode, an automated score was calculated to assess if this variant is too frequent to cause the disease. Based on the score and internal cut-off values, a variant classified as benign is not then subjected to further curation. The score for this variant resulted in a classification of benign for this disease.

Illumina Laboratory Services, Illumina
Classification: Benign for Scapuloperoneal spinal muscular atrophy. Last evaluated: 2018-01-12. Review status: criteria provided, single submitter. Criteria: ICSL Variant Classification Criteria 13 December 2019. Collection method: clinical testing. Allele origin: germline.
Comment: the same text as in the submission from Illumina Laboratory Services, Illumina above.

Illumina Laboratory Services, Illumina
Classification: Likely benign for Charcot-Marie-Tooth disease axonal type 2C. Last evaluated: 2018-01-12. Review status: criteria provided, single submitter. Criteria: ICSL Variant Classification Criteria 13 December 2019. Collection method: clinical testing. Allele origin: germline.
Comment: This variant was observed in the ICSL laboratory as part of a predisposition screen in an ostensibly healthy population. It had not been previously curated by ICSL or reported in the Human Gene Mutation Database (HGMD: prior to June 1st, 2018), and was therefore a candidate for classification through an automated scoring system. Utilizing variant allele frequency, disease prevalence and penetrance estimates, and inheritance mode, an automated score was calculated to assess if this variant is too frequent to cause the disease. Based on the score and internal cut-off values, a variant classified as likely benign is not then subjected to further curation. The score for this variant resulted in a classification of likely benign for this disease.

Illumina Laboratory Services, Illumina
Classification: Benign for Spondylometaphyseal dysplasia, Kozlowski type. Last evaluated: 2018-01-12. Review status: criteria provided, single submitter. Criteria: ICSL Variant Classification Criteria 13 December 2019. Collection method: clinical testing. Allele origin: germline.
Comment: the same text as in the submission from Illumina Laboratory Services, Illumina above.

Illumina Laboratory Services, Illumina
Classification: Benign for Metatropic dysplasia. Last evaluated: 2018-01-12. Review status: criteria provided, single submitter. Criteria: ICSL Variant Classification Criteria 13 December 2019. Collection method: clinical testing. Allele origin: germline.
Comment: the same text as in the submission from Illumina Laboratory Services, Illumina above.

Illumina Laboratory Services, Illumina
Classification: Benign for Neuronopathy, distal hereditary motor, autosomal dominant 8. Last evaluated: 2018-01-12. Review status: criteria provided, single submitter. Criteria: ICSL Variant Classification Criteria 13 December 2019. Collection method: clinical testing. Allele origin: germline.
Comment: the same text as in the submission from Illumina Laboratory Services, Illumina above.

NM_021625.5(TRPV4):c.650C>T (p.Ala217Val)

Gene: TRPV4 (transient receptor potential cation channel subfamily V member 4; minus strand). Cytogenetic location: 12q24.11.
Variant type: single nucleotide variant.
Coding change: c.650C>T on transcript NM_021625.5 (MANE Select); coding-DNA position 650, C replaced by T.
Protein change: p.Ala217Val; replaces alanine 217 with valine.
Molecular consequence: missense variant.
Genome position (GRCh38, 1-based): chr12:109,803,053, G>A on the plus strand (C>T on the coding strand, the complement: TRPV4 is on the minus strand). VCF-style: chr12-109803053-G-A. GRCh37 (hg19) VCF-style: chr12-110240858-G-A.
Other names: c.650C>T, p.Ala217Val (NM_001177428.2, NM_001177433.2, NM_147204.3); c.548C>T, p.Ala183Val (NM_001177431.2); short protein forms A217V, A183V.
Identifiers: ClinVar variation 307138 (VCV000307138.16), dbSNP rs548909101, ClinGen allele CA6780484.